The following is an entry in ClinVar:

NM_004281.4(BAG3):c.1294G>A (p.Val432Ile)

Gene: BAG3 (BAG cochaperone 3; plus strand). Cytogenetic location: 10q26.11.
Variant type: single nucleotide variant.
Coding change: c.1294G>A on transcript NM_004281.4 (MANE Select); coding-DNA position 1294, G replaced by A.
Protein change: p.Val432Ile; replaces valine 432 with isoleucine.
Molecular consequence: missense variant.
Genome position (GRCh38, 1-based): chr10:119,676,848, G>A. VCF-style: chr10-119676848-G-A. GRCh37 (hg19) VCF-style: chr10-121436360-G-A.
Other names: short protein forms V432I.
Identifiers: ClinVar variation 3817225 (VCV003817225.2).
Genomic context (GRCh38, chr10:119,676,848, plus strand): 5'-GAAGCCGAGGCTCCCCCAAAACATCCAGGAGTGCTGAAAGTGGAAGCCATCCTGGAGAAG[G>A]TACAGGGGCTGGAGCAGGCTGTAGACAACTTTGAAGGCAAGAAGACTGACAAAAAGTACC-3'
Protein context (NP_004272.2, residues 422-442): VLKVEAILEK[Val432Ile]QGLEQAVDNF

ClinVar aggregate classification (germline): Uncertain significance. Review status: criteria provided, multiple submitters, no conflicts (2 of 4 stars). 2 submissions from 2 submitters: Uncertain significance (2). Last evaluated 2026-01-08.

Conditions:
Myofibrillar myopathy 6. Identifiers: Orphanet 199340, MedGen C2751831, MONDO:0013061, OMIM 612954.
Dilated cardiomyopathy 1HH (CMD1HH). Identifiers: Orphanet 154, MedGen C3151293, MONDO:0013479, OMIM 613881.
Cardiovascular phenotype. Identifiers: MedGen CN230736.

gnomAD v4.1: 4 of 1,614,028 alleles (0.00025%); highest among the groups gnomAD compares: African/African-American, 0.0013%; no homozygotes.

Submissions (2):

Labcorp Genetics (formerly Invitae), Labcorp
Classification: Uncertain significance for Dilated cardiomyopathy 1HH; Myofibrillar myopathy 6. Last evaluated: 2026-01-08. Review status: criteria provided, single submitter. Criteria: Invitae Variant Classification Sherloc (09022015). Collection method: clinical testing. Allele origin: germline.
Comment: This sequence change replaces valine, which is neutral and non-polar, with isoleucine, which is neutral and non-polar, at codon 432 of the BAG3 protein (p.Val432Ile). This variant is not present in population databases (gnomAD no frequency). This variant has not been reported in the literature in individuals affected with BAG3-related conditions. ClinVar contains an entry for this variant (Variation ID: 3817225). Invitae Evidence Modeling of protein sequence and biophysical properties (such as structural, functional, and spatial information, amino acid conservation, physicochemical variation, residue mobility, and thermodynamic stability) has been performed for this missense variant. However, the output from this modeling did not meet the statistical confidence thresholds required to predict the impact of this variant on BAG3 protein function. In summary, the available evidence is currently insufficient to determine the role of this variant in disease. Therefore, it has been classified as a Variant of Uncertain Significance.

Ambry Genetics
Classification: Uncertain significance for Cardiovascular phenotype. Last evaluated: 2025-03-13. Review status: criteria provided, single submitter. Criteria: Ambry Variant Classification Scheme 2023. Collection method: clinical testing. Allele origin: germline.
Comment: The p.V432I variant (also known as c.1294G>A), located in coding exon 4 of the BAG3 gene, results from a G to A substitution at nucleotide position 1294. The valine at codon 432 is replaced by isoleucine, an amino acid with highly similar properties. This amino acid position is conserved. In addition, the in silico prediction for this alteration is inconclusive. Based on the available evidence, the clinical significance of this variant remains unclear.